The following is an entry in ClinVar:

NM_019014.6(POLR1B):c.2039A>G (p.Asn680Ser)

Gene: POLR1B (RNA polymerase I subunit B; plus strand). Cytogenetic location: 2q14.1.
Variant type: single nucleotide variant.
Coding change: c.2039A>G on transcript NM_019014.6 (MANE Select); coding-DNA position 2039, A replaced by G.
Protein change: p.Asn680Ser; replaces asparagine 680 with serine.
Molecular consequence: missense variant.
Genome position (GRCh38, 1-based): chr2:112,568,867, A>G. VCF-style: chr2-112568867-A-G. GRCh37 (hg19) VCF-style: chr2-113326444-A-G.
Other names: c.1871A>G, p.Asn624Ser (NM_001137604.3); c.2153A>G, p.Asn718Ser (NM_001282772.2); c.1490A>G, p.Asn497Ser (NM_001282774.2); c.1406A>G, p.Asn469Ser (NM_001282776.2, NM_001371971.1); c.1622A>G, p.Asn541Ser (NM_001282777.2, NM_001282779.2, NM_001371970.1); c.2177A>G, p.Asn726Ser (NM_001371969.1); short protein forms N469S, N497S, N541S, N624S, N680S, N718S, N726S.
Identifiers: ClinVar variation 3366044 (VCV003366044.2).
Genomic context (GRCh38, chr2:112,568,867, plus strand): 5'-AACTCTTTCCACACAGCCTGCTGAGTGTGATTGCCAACTTCATCCCTTTCTCTGATCACA[A>G]CCAGAGTCCACGGAACATGTACCAATGCCAGATGGGTAAGGAAGAGGGATGATGTTACAG-3'
Protein context (NP_061887.2, residues 670-690): IANFIPFSDH[Asn680Ser]QSPRNMYQCQ

ClinVar aggregate classification (germline): Uncertain significance (1 of 4 stars; one submission).

gnomAD v4.1: 3 of 1,614,018 alleles (0.00019%); highest among the groups gnomAD compares: Non-Finnish European, 0.00025%; no homozygotes.

Submission:

GeneDx
Classification: Uncertain significance. Last evaluated: 2025-10-03. Review status: criteria provided, single submitter. Criteria: GeneDx Variant Classification Process June 2021. Collection method: clinical testing. Allele origin: germline.
Comment: In silico analysis supports that this missense variant has a deleterious effect on protein structure/function; Has not been previously published as pathogenic or benign to our knowledge